The following is an entry in ClinVar:

ClinVar aggregate classification (germline): Conflicting classifications of pathogenicity. Review status: criteria provided, conflicting classifications (1 of 4 stars). 2 submissions from 2 submitters: Uncertain significance (1); Likely benign (1). Last evaluated 2026-08-06.

Conditions:
Hereditary cancer-predisposing syndrome. Also called: Tumor predisposition; Hereditary Cancer Syndrome; Neoplastic Syndromes, Hereditary; Hereditary neoplastic syndrome. Identifiers: Orphanet 140162, MedGen C0027672, MeSH D009386, MONDO:0015356.
Tuberous sclerosis 2 (TSC2). Identifiers: Orphanet 805, MedGen C1860707, MONDO:0013199, OMIM 613254.

Allele frequency attached by ClinVar (database versions not stated): TOPMed below 0.00001.

Submissions (2):

Ambry Genetics
Classification: Likely benign for Hereditary cancer-predisposing syndrome. Last evaluated: 2026-08-06. Review status: criteria provided, single submitter. Criteria: Ambry Variant Classification Scheme 2023. Collection method: clinical testing. Allele origin: germline.

Labcorp Genetics (formerly Invitae), Labcorp
Classification: Uncertain significance for Tuberous sclerosis 2. Last evaluated: 2025-06-16. Review status: criteria provided, single submitter. Criteria: Invitae Variant Classification Sherloc (09022015). Collection method: clinical testing. Allele origin: germline.
Comment: This sequence change replaces lysine, which is basic and polar, with arginine, which is basic and polar, at codon 83 of the TSC2 protein (p.Lys83Arg). This variant is not present in population databases (gnomAD no frequency). This variant has not been reported in the literature in individuals affected with TSC2-related conditions. ClinVar contains an entry for this variant (Variation ID: 821352). Invitae Evidence Modeling of protein sequence and biophysical properties (such as structural, functional, and spatial information, amino acid conservation, physicochemical variation, residue mobility, and thermodynamic stability) indicates that this missense variant is not expected to disrupt TSC2 protein function with a negative predictive value of 95%. In summary, the available evidence is currently insufficient to determine the role of this variant in disease. Therefore, it has been classified as a Variant of Uncertain Significance.

NM_000548.5(TSC2):c.248A>G (p.Lys83Arg)

Gene: TSC2 (TSC complex subunit 2; plus strand). Cytogenetic location: 16p13.3.
Variant type: single nucleotide variant.
Coding change: c.248A>G on transcript NM_000548.5 (MANE Select); coding-DNA position 248, A replaced by G.
Protein change: p.Lys83Arg; replaces lysine 83 with arginine.
Molecular consequence: missense variant. On other transcripts: intron variant (2).
Genome position (GRCh38, 1-based): chr16:2,053,364, A>G. VCF-style: chr16-2053364-A-G. GRCh37 (hg19) VCF-style: chr16-2103365-A-G.
Other names: c.248A>G, p.Lys83Arg (NM_001077183.3, NM_001114382.3, NM_001363528.2 and 3 more transcripts); c.101A>G, p.Lys34Arg (NM_001318829.2); c.281A>G, p.Lys94Arg (NM_001318832.2); c.226-932A>G (NM_001318827.2); c.-1-2832A>G (NM_001318831.2); short protein forms K34R, K83R, K94R.
Identifiers: ClinVar variation 821352 (VCV000821352.7), dbSNP rs1267562998, ClinGen allele CA394305517.
Genomic context (GRCh38, chr16:2,053,364, plus strand): 5'-GAGCACATCCTCACCGCTGTCCCCTCTGCTGGTGACAGCACGCAGTGGAAGCACTCTGGA[A>G]GGCGGTCGCGGATCTGTTGCAGCCGGAGCGGCCGCTGGAGGCCCGGCACGCGGTGCTGGC-3'
Protein context (NP_000539.2, residues 73-93): FEEHAVEALW[Lys83Arg]AVADLLQPER